The following is an entry in ClinVar:

NM_031407.7(HUWE1):c.12411G>C (p.Leu4137Phe)

Gene: HUWE1 (HECT, UBA and WWE domain containing E3 ubiquitin protein ligase 1; minus strand). Cytogenetic location: Xp11.22.
Variant type: single nucleotide variant.
Coding change: c.12411G>C on transcript NM_031407.7 (MANE Select); coding-DNA position 12411, G replaced by C.
Protein change: p.Leu4137Phe; replaces leucine 4137 with phenylalanine.
Molecular consequence: missense variant.
Genome position (GRCh38, 1-based): chrX:53,536,394, C>G on the plus strand (G>C on the coding strand, the complement: HUWE1 is on the minus strand). VCF-style: chrX-53536394-C-G. GRCh37 (hg19) VCF-style: chrX-53563355-C-G.
Other names: short protein forms L4137F.
Identifiers: ClinVar variation 3900445 (VCV003900445.1).

ClinVar aggregate classification (germline): Uncertain significance (1 of 4 stars; one submission).

Submission:

GeneDx
Classification: Uncertain significance. Last evaluated: 2024-11-20. Review status: criteria provided, single submitter. Criteria: GeneDx Variant Classification Process June 2021. Collection method: clinical testing. Allele origin: germline. Affected: yes.
Comment: Not observed at significant frequency in large population cohorts (gnomAD); In silico analysis supports that this missense variant has a deleterious effect on protein structure/function; Has not been previously published as pathogenic or benign to our knowledge